The following is an entry in ClinVar:

NM_000338.3(SLC12A1):c.1558C>T (p.Gln520Ter)

Gene: SLC12A1 (solute carrier family 12 member 1; plus strand). Cytogenetic location: 15q21.1.
Variant type: single nucleotide variant.
Coding change: c.1558C>T on transcript NM_000338.3 (MANE Select); coding-DNA position 1558, C replaced by T.
Protein change: p.Gln520Ter; replaces glutamine 520 with a stop codon.
Molecular consequence: nonsense.
Genome position (GRCh38, 1-based): chr15:48,247,014, C>T. VCF-style: chr15-48247014-C-T. GRCh37 (hg19) VCF-style: chr15-48539211-C-T.
Other names: c.1558C>T, p.Gln520Ter (NM_001184832.2, NM_001384136.1); short protein forms Q520*.
Identifiers: ClinVar variation 5002802 (VCV005002802.1).
Genomic context (GRCh38, chr15:48,247,014, plus strand): 5'-ATCTTTTCTGCAACACTCTCCTCCGCCCTGGCCTCCCTTGTCAGCGCACCCAAAGTGTTC[C>T]AGGTAATACAAGCACAACAGCTTGTGCTTCTCCCTATTGCTATTTCCACAGAATGTGAAT-3'

ClinVar aggregate classification (germline): Likely pathogenic (1 of 4 stars; one submission).

Conditions:
Bartter disease type 1. Also called: Bartter syndrome, type 1, antenatal; HYPOKALEMIC ALKALOSIS WITH HYPERCALCIURIA 1, ANTENATAL; HYPERPROSTAGLANDIN E SYNDROME 1; Bartter Syndrome type 1. Identifiers: Orphanet 112, Orphanet 620217, MedGen C1866495, MONDO:0100344, OMIM 601678, MONDO:0011127.

Submission:

OLLIN Analises Genomicas, OLLIN
Classification: Likely pathogenic for Bartter disease type 1. Last evaluated: 2026-08-06. Review status: criteria provided, single submitter. Criteria: ACMG Guidelines 2015 PMID 25741868. Collection method: clinical testing. Allele origin: germline. Inheritance: Autosomal recessive inheritance.
Comment: This nonsense variant, located in exon 12 (of 27), is absent from gnomAD and ClinVar and has not been identified in the literature. This variant introduces a premature stop codon, which is predicted to result in either a truncated protein or degradation of the mRNA via nonsense-mediated decay (NMD). According to the currently available evidence, this variant has been classified as likely pathogenic (PVS1, PM2_P).